The following is an entry in ClinVar:

NM_177531.6(PKHD1L1):c.8291A>C (p.Asn2764Thr)

Gene: PKHD1L1 (PKHD1 like 1; plus strand). Cytogenetic location: 8q23.1.
Variant type: single nucleotide variant.
Coding change: c.8291A>C on transcript NM_177531.6 (MANE Select); coding-DNA position 8291, A replaced by C.
Protein change: p.Asn2764Thr; replaces asparagine 2764 with threonine.
Molecular consequence: missense variant.
Genome position (GRCh38, 1-based): chr8:109,465,123, A>C. VCF-style: chr8-109465123-A-C. GRCh37 (hg19) VCF-style: chr8-110477352-A-C.
Other names: short protein forms N2764T.
Identifiers: ClinVar variation 4533431 (VCV004533431.6).

ClinVar aggregate classification (germline): Likely benign (1 of 4 stars; one submission).

gnomAD v4.1: 7,879 of 1,613,790 alleles (0.49%); highest among the groups gnomAD compares: Non-Finnish European, 0.56%; 31 homozygotes.

Submission:

CeGaT Center for Human Genetics Tuebingen
Classification: Likely benign. Last evaluated: 2025-08-01. Review status: criteria provided, single submitter. Criteria: CeGaT Center For Human Genetics Tuebingen Variant Classification Criteria Version 2. Collection method: clinical testing. Allele origin: germline. Affected: yes. Observed: 1 variant allele.
Comment: PKHD1L1: BP4, BS2